The following is an entry in ClinVar:

NM_001917.5(DAO):c.704C>T (p.Thr235Ile)

Gene: DAO (D-amino acid oxidase; plus strand). Cytogenetic location: 12q24.11.
Variant type: single nucleotide variant.
Coding change: c.704C>T on transcript NM_001917.5 (MANE Select); coding-DNA position 704, C replaced by T.
Protein change: p.Thr235Ile; replaces threonine 235 with isoleucine.
Molecular consequence: missense variant. On other transcripts: intron variant (1).
Genome position (GRCh38, 1-based): chr12:108,898,687, C>T. VCF-style: chr12-108898687-C-T. GRCh37 (hg19) VCF-style: chr12-109292463-C-T.
Other names: c.704C>T, p.Thr235Ile (NM_001413634.1); c.696-690C>T (NM_001413635.1); short protein forms T235I.
Identifiers: ClinVar variation 2634489 (VCV002634489.1), dbSNP rs531892910, ClinGen allele CA6771216.

ClinVar aggregate classification (germline): Uncertain significance (1 of 4 stars; one submission).

Conditions:
DAO-related disorder. Also called: DAO-related condition.

Allele frequency attached by ClinVar (database versions not stated): gnomAD 0.00001; gnomAD exomes 0.00002; ExAC 0.00009; 1000 Genomes Project 0.00020; 1000 Genomes Project 30x 0.00031.
gnomAD v4.1: 41 of 1,608,592 alleles (0.0025%); highest among the groups gnomAD compares: South Asian, 0.038%; no homozygotes.

Submission:

PreventionGenetics, part of Exact Sciences
Classification: Uncertain significance for DAO-related condition. Last evaluated: 2022-10-03. Review status: criteria provided, single submitter. Criteria: ACMG Guidelines, 2015. Collection method: clinical testing. Allele origin: germline.
Comment: The DAO c.704C>T variant is predicted to result in the amino acid substitution p.Thr235Ile. To our knowledge, this variant has not been reported in the literature. This variant is reported in 0.069% of alleles in individuals of South Asian descent in gnomAD. At this time, the clinical significance of this variant is uncertain due to the absence of conclusive functional and genetic evidence.